The following is an entry in ClinVar:

NM_002528.7(NTHL1):c.401C>T (p.Thr134Ile)

Gene: NTHL1 (nth like DNA glycosylase 1; minus strand). Cytogenetic location: 16p13.3.
Variant type: single nucleotide variant.
Coding change: c.401C>T on transcript NM_002528.7 (MANE Select); coding-DNA position 401, C replaced by T.
Protein change: p.Thr134Ile; replaces threonine 134 with isoleucine.
Molecular consequence: missense variant. On other transcripts: intron variant (1).
Genome position (GRCh38, 1-based): chr16:2,044,754, G>A on the plus strand (C>T on the coding strand, the complement: NTHL1 is on the minus strand). VCF-style: chr16-2044754-G-A. GRCh37 (hg19) VCF-style: chr16-2094755-G-A.
Other names: c.71C>T, p.Thr24Ile (NM_001318194.2); c.355-1028C>T (NM_001318193.2); c.401C>T, p.Thr134Ile (LRG_1366t1); short protein forms T134I, T24I.
Identifiers: ClinVar variation 642304 (VCV000642304.14), dbSNP rs1596220446, ClinGen allele CA394294553.

ClinVar aggregate classification (germline): Uncertain significance. Review status: criteria provided, multiple submitters, no conflicts (2 of 4 stars). 2 submissions from 2 submitters: Uncertain significance (2). Last evaluated 2025-09-16.

Conditions:
Hereditary cancer-predisposing syndrome. Also called: Neoplastic Syndromes, Hereditary; Tumor predisposition; Hereditary neoplastic syndrome; Hereditary Cancer Syndrome. Identifiers: Orphanet 140162, MedGen C0027672, MeSH D009386, MONDO:0015356.

Allele frequency attached by ClinVar (database versions not stated): gnomAD exomes below 0.00001; TOPMed below 0.00001.
gnomAD v4.1: 1 of 1,612,192 alleles (0.000062%); highest among the groups gnomAD compares: Non-Finnish European, 0.000085%; no homozygotes.

Submissions (2):

Ambry Genetics
Classification: Uncertain significance for Hereditary cancer-predisposing syndrome. Last evaluated: 2025-09-16. Review status: criteria provided, single submitter. Criteria: Ambry Variant Classification Scheme 2023. Collection method: clinical testing. Allele origin: germline.
Comment: The p.T142I variant (also known as c.425C>T), located in coding exon 3 of the NTHL1 gene, results from a C to T substitution at nucleotide position 425. The threonine at codon 142 is replaced by isoleucine, an amino acid with similar properties. This amino acid position is conserved. In addition, this alteration is predicted to be deleterious by in silico analysis. Based on the available evidence, the clinical significance of this variant remains unclear.

Labcorp Genetics (formerly Invitae), Labcorp
Classification: Uncertain significance. Last evaluated: 2023-12-11. Review status: criteria provided, single submitter. Criteria: Invitae Variant Classification Sherloc (09022015). Collection method: clinical testing. Allele origin: germline.
Comment: This sequence change replaces threonine, which is neutral and polar, with isoleucine, which is neutral and non-polar, at codon 142 of the NTHL1 protein (p.Thr142Ile). This variant is not present in population databases (gnomAD no frequency). This variant has not been reported in the literature in individuals affected with NTHL1-related conditions. ClinVar contains an entry for this variant (Variation ID: 642304). An algorithm developed to predict the effect of missense changes on protein structure and function (PolyPhen-2) suggests that this variant is likely to be disruptive. In summary, the available evidence is currently insufficient to determine the role of this variant in disease. Therefore, it has been classified as a Variant of Uncertain Significance.